The following is an entry in ClinVar:

NM_001395413.1(POR):c.143AAG[2] (p.Glu50del)

Gene: POR (cytochrome p450 oxidoreductase; plus strand). Cytogenetic location: 7q11.23.
Variant type: Microsatellite.
Coding change: c.143AAG[2] on transcript NM_001395413.1 (MANE Select); two copies in a row of the 3-base unit AAG starting at c.143; the reference has three copies in a row; one copy, 3 bases deleted.
Protein change: p.Glu50del; deletes glutamic acid 50.
Molecular consequence: inframe deletion.
Genome position (GRCh38, 1-based): chr7:75,954,150-75,954,152, AAG deleted; deleting any 3 consecutive bases within chr7:75,954,144-75,954,152 gives the same sequence; the position shown is the placement nearest the transcript's 3' end. VCF-style (leftmost placement, unchanged base first): chr7-75954143-AAAG-A. GRCh37 (hg19) VCF-style: chr7-75583461-AAAG-A.
Other names: c.143AAG[2], p.Glu50del (NM_001367562.3, NM_001382655.3, NM_001382657.2 and 3 more transcripts); short protein forms E50del.
Identifiers: ClinVar variation 790736 (VCV000790736.9), dbSNP rs72553987, ClinGen allele CA4303461.

ClinVar aggregate classification (germline): Likely benign. Review status: criteria provided, multiple submitters, no conflicts (2 of 4 stars). 2 submissions from 2 submitters: Likely benign (2). Last evaluated 2026-02-04.

Conditions:
POR-related disorder. Also called: POR-related condition.
Congenital adrenal hyperplasia due to cytochrome P450 oxidoreductase deficiency. Also called: DISORDERED STEROIDOGENESIS DUE TO POR DEFICIENCY. Identifiers: Orphanet 95699, MedGen C1860042, MONDO:0013310, OMIM 613571.

Submissions (2):

Labcorp Genetics (formerly Invitae), Labcorp
Classification: Likely benign for Congenital adrenal hyperplasia due to cytochrome P450 oxidoreductase deficiency. Last evaluated: 2026-02-04. Review status: criteria provided, single submitter. Criteria: Invitae Variant Classification Sherloc (09022015). Collection method: clinical testing. Allele origin: germline.

PreventionGenetics, part of Exact Sciences
Classification: Likely benign for POR-related condition. Last evaluated: 2025-05-10. Review status: criteria provided, single submitter. Criteria: ACMG Guidelines, 2015. Collection method: clinical testing. Allele origin: germline.
Comment: This variant is classified as likely benign based on ACMG/AMP sequence variant interpretation guidelines (Richards et al. 2015 PMID: 25741868, with internal and published modifications).